The following is an entry in ClinVar:

ClinVar aggregate classification (germline): Uncertain significance. Review status: criteria provided, multiple submitters, no conflicts (2 of 4 stars). 2 submissions from 2 submitters: Uncertain significance (2). Last evaluated 2026-05-06.

Conditions:
Rubinstein-Taybi syndrome due to EP300 haploinsufficiency. Also called: RUBINSTEIN-TAYBI SYNDROME 2; EP300-Related Rubinstein-Taybi Syndrome. Identifiers: Orphanet 353284, Orphanet 783, MedGen C3150941, MONDO:0013364, OMIM 613684.
EP300-related disorder. Also called: EP300-related disorders; EP300-related condition.

gnomAD v4.1: 2 of 1,613,882 alleles (0.00012%); highest among the groups gnomAD compares: Non-Finnish European, 0.00017%; no homozygotes.

Submissions (2):

PreventionGenetics, part of Exact Sciences
Classification: Uncertain significance for EP300-related condition. Last evaluated: 2026-05-06. Review status: criteria provided, single submitter. Criteria: ACMG Guidelines, 2015. Collection method: clinical testing. Allele origin: germline.
Comment: The EP300 c.5980C>T variant is predicted to result in the amino acid substitution p.Pro1994Ser. To our knowledge, this variant has not been reported in the literature or in a large population database (gnomAD), indicating this variant is rare. At this time, the clinical significance of this variant is uncertain due to the absence of conclusive functional and genetic evidence.

Labcorp Genetics (formerly Invitae), Labcorp
Classification: Uncertain significance for Rubinstein-Taybi syndrome due to EP300 haploinsufficiency. Last evaluated: 2025-11-02. Review status: criteria provided, single submitter. Criteria: Invitae Variant Classification Sherloc (09022015). Collection method: clinical testing. Allele origin: germline.
Comment: This sequence change replaces proline, which is neutral and non-polar, with serine, which is neutral and polar, at codon 1994 of the EP300 protein (p.Pro1994Ser). This variant is not present in population databases (gnomAD no frequency). This variant has not been reported in the literature in individuals affected with EP300-related conditions. Invitae Evidence Modeling of protein sequence and biophysical properties (such as structural, functional, and spatial information, amino acid conservation, physicochemical variation, residue mobility, and thermodynamic stability) indicates that this missense variant is not expected to disrupt EP300 protein function with a negative predictive value of 80%. In summary, the available evidence is currently insufficient to determine the role of this variant in disease. Therefore, it has been classified as a Variant of Uncertain Significance.

NM_001429.4(EP300):c.5980C>T (p.Pro1994Ser)

Gene: EP300 (EP300 lysine acetyltransferase; plus strand). Cytogenetic location: 22q13.2.
Variant type: single nucleotide variant.
Coding change: c.5980C>T on transcript NM_001429.4 (MANE Select); coding-DNA position 5980, C replaced by T.
Protein change: p.Pro1994Ser; replaces proline 1994 with serine.
Molecular consequence: missense variant.
Genome position (GRCh38, 1-based): chr22:41,177,691, C>T. VCF-style: chr22-41177691-C-T. GRCh37 (hg19) VCF-style: chr22-41573695-C-T.
Other names: c.5902C>T, p.Pro1968Ser (NM_001362843.2); c.5980C>T (NM_001429.3); short protein forms P1968S, P1994S.
Identifiers: ClinVar variation 4776024 (VCV004776024.2).